The following is an entry in ClinVar:

ClinVar aggregate classification (germline): Uncertain significance. Review status: criteria provided, multiple submitters, no conflicts (2 of 4 stars). 2 submissions from 2 submitters: Uncertain significance (2). Last evaluated 2024-08-06.

Conditions:
Hereditary cancer-predisposing syndrome. Also called: Hereditary Cancer Syndrome; Hereditary neoplastic syndrome; Neoplastic Syndromes, Hereditary; Tumor predisposition. Identifiers: Orphanet 140162, MedGen C0027672, MeSH D009386, MONDO:0015356.

Submissions (2):

Ambry Genetics
Classification: Uncertain significance for Hereditary cancer-predisposing syndrome. Last evaluated: 2024-08-06. Review status: criteria provided, single submitter. Criteria: Ambry Variant Classification Scheme 2023. Collection method: clinical testing. Allele origin: germline.
Comment: The p.V218F variant (also known as c.652G>T), located in coding exon 5 of the CTNNA1 gene, results from a G to T substitution at nucleotide position 652. The valine at codon 218 is replaced by phenylalanine, an amino acid with highly similar properties. This amino acid position is not well conserved in available vertebrate species. In addition, this alteration is predicted to be tolerated by in silico analysis. The evidence for this gene-disease relationship is limited; therefore, the clinical significance of this alteration is unclear.

Labcorp Genetics (formerly Invitae), Labcorp
Classification: Uncertain significance. Last evaluated: 2022-07-21. Review status: criteria provided, single submitter. Criteria: Invitae Variant Classification Sherloc (09022015). Collection method: clinical testing. Allele origin: germline.
Comment: In summary, the available evidence is currently insufficient to determine the role of this variant in disease. Therefore, it has been classified as a Variant of Uncertain Significance. Algorithms developed to predict the effect of missense changes on protein structure and function are either unavailable or do not agree on the potential impact of this missense change (SIFT: "Deleterious"; PolyPhen-2: "Benign"; Align-GVGD: "Class C0"). ClinVar contains an entry for this variant (Variation ID: 1062561). This variant has not been reported in the literature in individuals affected with CTNNA1-related conditions. This variant is not present in population databases (gnomAD no frequency). This sequence change replaces valine, which is neutral and non-polar, with phenylalanine, which is neutral and non-polar, at codon 218 of the CTNNA1 protein (p.Val218Phe).

NM_001903.5(CTNNA1):c.652G>T (p.Val218Phe)

Gene: CTNNA1 (catenin alpha 1; plus strand). Cytogenetic location: 5q31.2.
Variant type: single nucleotide variant.
Coding change: c.652G>T on transcript NM_001903.5 (MANE Select); coding-DNA position 652, G replaced by T.
Protein change: p.Val218Phe; replaces valine 218 with phenylalanine.
Molecular consequence: missense variant.
Genome position (GRCh38, 1-based): chr5:138,824,593, G>T. VCF-style: chr5-138824593-G-T. GRCh37 (hg19) VCF-style: chr5-138160282-G-T.
Other names: c.652G>T, p.Val218Phe (NM_001290307.3, NM_001323982.2, NM_001323983.1 and 3 more transcripts); c.343G>T, p.Val115Phe (NM_001290309.3); c.283G>T, p.Val95Phe (NM_001290310.3); c.652G>T (NM_001903.2); short protein forms V115F, V218F, V95F.
Identifiers: ClinVar variation 1062561 (VCV001062561.10), dbSNP rs752549253, ClinGen allele CA361129594.